The following is an entry in ClinVar:

NM_000368.5(TSC1):c.584A>G (p.Tyr195Cys)

Gene: TSC1 (TSC complex subunit 1; minus strand). Cytogenetic location: 9q34.13.
Variant type: single nucleotide variant.
Coding change: c.584A>G on transcript NM_000368.5 (MANE Select); coding-DNA position 584, A replaced by G.
Protein change: p.Tyr195Cys; replaces tyrosine 195 with cysteine.
Molecular consequence: missense variant. On other transcripts: 5 prime UTR variant (5), non-coding transcript variant (5).
Genome position (GRCh38, 1-based): chr9:132,921,898, T>C on the plus strand (A>G on the coding strand, the complement: TSC1 is on the minus strand). VCF-style: chr9-132921898-T-C. GRCh37 (hg19) VCF-style: chr9-135797285-T-C.
Other names: c.221A>G, p.Tyr74Cys (NM_001406622.1, NM_001406623.1, NM_001406624.1 and 10 more transcripts); c.-294A>G (NM_001406626.1, NM_001406627.1, NM_001406628.1); c.-436A>G (NM_001406629.1); c.-510A>G (NM_001406630.1); c.431A>G, p.Tyr144Cys (NM_001406611.1, NM_001406612.1, NM_001406613.1 and 2 more transcripts); c.584A>G, p.Tyr195Cys (NM_001406606.1, NM_001406607.1, NM_001406608.1 and 16 more transcripts); short protein forms Y74C, Y144C, Y195C.
Identifiers: ClinVar variation 3649290 (VCV003649290.2).

ClinVar aggregate classification (germline): Uncertain significance (1 of 4 stars; one submission).

Conditions:
Tuberous sclerosis 1 (TSC1). Identifiers: Orphanet 805, MedGen C1854465, MONDO:0008612, OMIM 191100.

Submission:

Labcorp Genetics (formerly Invitae), Labcorp
Classification: Uncertain significance for Tuberous sclerosis 1. Last evaluated: 2024-04-09. Review status: criteria provided, single submitter. Criteria: Invitae Variant Classification Sherloc (09022015). Collection method: clinical testing. Allele origin: germline.
Comment: This sequence change replaces tyrosine, which is neutral and polar, with cysteine, which is neutral and slightly polar, at codon 195 of the TSC1 protein (p.Tyr195Cys). This variant is not present in population databases (gnomAD no frequency). This variant has not been reported in the literature in individuals affected with TSC1-related conditions. Advanced modeling of protein sequence and biophysical properties (such as structural, functional, and spatial information, amino acid conservation, physicochemical variation, residue mobility, and thermodynamic stability) performed at Invitae indicates that this missense variant is not expected to disrupt TSC1 protein function with a negative predictive value of 95%. In summary, the available evidence is currently insufficient to determine the role of this variant in disease. Therefore, it has been classified as a Variant of Uncertain Significance.